The following is an entry in ClinVar:

ClinVar aggregate classification (germline): Pathogenic. Review status: reviewed by expert panel (3 of 4 stars). 4 submissions from 4 submitters: Pathogenic (1). 3 of the submissions do not count toward it. Last evaluated 2016-09-08.

Conditions:
Hereditary cancer-predisposing syndrome. Also called: Tumor predisposition; Hereditary neoplastic syndrome; Hereditary Cancer Syndrome; Neoplastic Syndromes, Hereditary. Identifiers: Orphanet 140162, MedGen C0027672, MeSH D009386, MONDO:0015356.
Hereditary breast ovarian cancer syndrome. Also called: Hereditary breast and ovarian cancer syndrome (HBOC); Hereditary breast and ovarian cancer syndrome; Breast and ovarian cancer; BRCA1- and BRCA2-Associated Hereditary Breast and Ovarian Cancer; Hereditary breast and ovarian cancer; Hereditary breast and/or ovarian cancer syndrome. Identifiers: Orphanet 145, MedGen C0677776, MeSH D061325, MONDO:0003582. Disease mechanism: loss of function.
Breast-ovarian cancer, familial, susceptibility to, 1 (BROVCA1). Also called: OVARIAN CANCER, SUSCEPTIBILITY TO; BRCA1 Hereditary Breast and Ovarian Cancer. Identifiers: Orphanet 145, MedGen C2676676, MONDO:0011450, OMIM 604370. Disease mechanism: loss of function.

Submissions (4):

Evidence-based Network for the Interpretation of Germline Mutant Alleles (ENIGMA)
Classification: Pathogenic for Breast-ovarian cancer, familial, susceptibility to, 1. Last evaluated: 2016-09-08. Review status: reviewed by expert panel. Criteria: ENIGMA BRCA1/2 Classification Criteria (2015). Collection method: curation. Allele origin: germline.
Comment: Variant allele predicted to encode a truncated non-functional protein.

Ambry Genetics
Classification: Pathogenic for Hereditary cancer-predisposing syndrome. Last evaluated: 2026-08-12. Review status: criteria provided, single submitter. Criteria: Ambry Variant Classification Scheme 2023. Collection method: clinical testing. Allele origin: germline. Not counted in ClinVar's aggregate classification.
Comment: The c.4110_4111delTG pathogenic mutation, located in coding exon 10 of the BRCA1 gene, results from a deletion of two nucleotides at nucleotide positions 4110 to 4111, causing a translational frameshift with a predicted alternate stop codon (p.G1371Vfs*2). This variant is considered to be rare based on population cohorts in the Genome Aggregation Database (gnomAD). This alteration is expected to result in loss of function by premature protein truncation or nonsense-mediated mRNA decay. As such, this alteration is interpreted as a disease-causing mutation.

Labcorp Genetics (formerly Invitae), Labcorp
Classification: Pathogenic for Hereditary breast ovarian cancer syndrome. Last evaluated: 2022-02-08. Review status: criteria provided, single submitter. Criteria: Invitae Variant Classification Sherloc (09022015). Collection method: clinical testing. Allele origin: germline. Not counted in ClinVar's aggregate classification.
Comment: This sequence change creates a premature translational stop signal (p.Gly1371Valfs*2) in the BRCA1 gene. It is expected to result in an absent or disrupted protein product. Loss-of-function variants in BRCA1 are known to be pathogenic (PMID: 20104584). This variant is not present in population databases (gnomAD no frequency). This variant has not been reported in the literature in individuals affected with BRCA1-related conditions. ClinVar contains an entry for this variant (Variation ID: 125678). For these reasons, this variant has been classified as Pathogenic.

Breast Cancer Information Core (BIC) (BRCA1)
Classification: Pathogenic for Breast-ovarian cancer, familial 1. Last evaluated: 2004-11-25. Review status: no assertion criteria provided. Collection method: clinical testing. Allele origin: germline. Affected: yes. Observed: 1 variant allele. Not counted in ClinVar's aggregate classification.

Literature cited by the submitters: PubMed 20104584 (cited by Labcorp Genetics (formerly Invitae), Labcorp).

NM_007294.4(BRCA1):c.4110_4111del (p.Gly1371fs)

Gene: BRCA1 (BRCA1 DNA repair associated; minus strand). Cytogenetic location: 17q21.31.
Variant type: Deletion.
Coding change: c.4110_4111del on transcript NM_007294.4 (MANE Select); coding-DNA positions 4110 to 4111, 2 bases deleted (TG; older notation c.4110_4111delTG).
Protein change: p.Gly1371fs; shifts the reading frame from glycine 1371.
Molecular consequence: frameshift variant. On other transcripts: non-coding transcript variant (1).
Genome position (GRCh38, 1-based): chr17:43,091,018-43,091,019, CA deleted on the plus strand (TG on the coding strand, the reverse complement: BRCA1 is on the minus strand). VCF-style (leftmost placement, unchanged base first): chr17-43091017-CCA-C. GRCh37 (hg19) VCF-style: chr17-41243034-CCA-C.
Other names: 4229delTG; c.3897_3898delTG, p.Gly1300Valfs (NM_001407571.1, NM_001407853.1, NM_001407894.1 and 9 more transcripts); c.4110_4111delTG, p.Gly1371Valfs (NM_001407581.1, NM_001407582.1, NM_001407583.1 and 30 more transcripts); c.4107_4108delTG, p.Gly1370Valfs (NM_001407587.1, NM_001407590.1, NM_001407591.1 and 22 more transcripts); c.4101_4102delTG, p.Gly1368Valfs (NM_001407646.1, NM_001407647.1); c.3987_3988delTG, p.Gly1330Valfs (NM_001407648.1, NM_001407664.1, NM_001407665.1 and 19 more transcripts); c.3984_3985delTG, p.Gly1329Valfs (NM_001407649.1, NM_001407670.1, NM_001407671.1 and 11 more transcripts); c.4032_4033delTG, p.Gly1345Valfs (NM_001407653.1, NM_001407654.1, NM_001407655.1 and 4 more transcripts); and 45 more; short protein forms G268fs, G1324fs, G1371fs.
Identifiers: ClinVar variation 125678 (VCV000125678.12), dbSNP rs80357529, ClinGen allele CA002631.
Genomic context (GRCh38, chr17:43,091,017, plus strand): 5'-ATGTCACTCTGAGAGGATAGCCCTGAGCAGTCTTCAGAGACGCTTGTTTCACTCTCACAC[CCA>C]GATGCTGCTTCACCTTAAATAACAAAAACAGAGGTTCAGATGTAAAAGCAGACTATAAAC-3'